The following is an entry in ClinVar:

ClinVar aggregate classification (germline): Uncertain significance (1 of 4 stars; one submission).

gnomAD v4.1: 21 of 1,613,900 alleles (0.0013%); highest among the groups gnomAD compares: East Asian, 0.047%; no homozygotes.

Submission:

Labcorp Genetics (formerly Invitae), Labcorp
Classification: Uncertain significance. Last evaluated: 2022-03-04. Review status: criteria provided, single submitter. Criteria: Invitae Variant Classification Sherloc (09022015). Collection method: clinical testing. Allele origin: germline.
Comment: This sequence change replaces isoleucine, which is neutral and non-polar, with phenylalanine, which is neutral and non-polar, at codon 3119 of the LRP2 protein (p.Ile3119Phe). This variant is present in population databases (no rsID available, gnomAD 0.006%). This variant has not been reported in the literature in individuals affected with LRP2-related conditions. Advanced modeling of protein sequence and biophysical properties (such as structural, functional, and spatial information, amino acid conservation, physicochemical variation, residue mobility, and thermodynamic stability) performed at Invitae indicates that this missense variant is not expected to disrupt LRP2 protein function. In summary, the available evidence is currently insufficient to determine the role of this variant in disease. Therefore, it has been classified as a Variant of Uncertain Significance.

NM_004525.3(LRP2):c.9355A>T (p.Ile3119Phe)

Gene: LRP2 (LDL receptor related protein 2; minus strand). Cytogenetic location: 2q31.1.
Variant type: single nucleotide variant.
Coding change: c.9355A>T on transcript NM_004525.3 (MANE Select); coding-DNA position 9355, A replaced by T.
Protein change: p.Ile3119Phe; replaces isoleucine 3119 with phenylalanine.
Molecular consequence: missense variant.
Genome position (GRCh38, 1-based): chr2:169,185,993, T>A on the plus strand (A>T on the coding strand, the complement: LRP2 is on the minus strand). VCF-style: chr2-169185993-T-A. GRCh37 (hg19) VCF-style: chr2-170042503-T-A.
Other names: short protein forms I3119F.
Identifiers: ClinVar variation 2192722 (VCV002192722.1), dbSNP rs1306446810, ClinGen allele CA349154861.